The following is an entry in ClinVar:

ClinVar aggregate classification (germline): Likely pathogenic (1 of 4 stars; one submission).

Submission:

GeneDx
Classification: Likely pathogenic. Last evaluated: 2017-10-03. Review status: criteria provided, single submitter. Criteria: GeneDx Variant Classification (06012015). Collection method: clinical testing. Allele origin: germline. Affected: yes.
Comment: The c.63-3C>A variant in the RPS29 gene has been reported previously in an individual with Diamond-Blackfan anemia (Ghemlas et al., 2015). This variant reduces the quality of the splice acceptor site in intron 1, and is expected to cause abnormal gene splicing. The c.63-3C>A variant is not observed in large population cohorts (Lek et al., 2016). We interpret c.63-3C>A as a likely pathogenic variant.

NM_001032.5(RPS29):c.63-3C>A

Gene: RPS29 (ribosomal protein S29; minus strand). Cytogenetic location: 14q21.3.
Variant type: single nucleotide variant.
Coding change: c.63-3C>A on transcript NM_001032.5 (MANE Select); 3 bases into the intron before coding-DNA position 63, C replaced by A.
Molecular consequence: intron variant.
Genome position (GRCh38, 1-based): chr14:49,586,052, G>T on the plus strand (C>A on the coding strand, the complement: RPS29 is on the minus strand). VCF-style: chr14-49586052-G-T. GRCh37 (hg19) VCF-style: chr14-50052770-G-T.
Other names: c.63-3C>A (NM_001030001.4); c.54-3C>A (NM_001351375.2).
Identifiers: ClinVar variation 449694 (VCV000449694.2), dbSNP rs1474053113, ClinGen allele CA658658254.